The following is an entry in ClinVar:

NM_001110556.2(FLNA):c.3522C>T (p.Thr1174=)

Gene: FLNA (filamin A; minus strand). Cytogenetic location: Xq28.
Variant type: single nucleotide variant.
Coding change: c.3522C>T on transcript NM_001110556.2 (MANE Select); coding-DNA position 3522, C replaced by T.
Protein change: p.Thr1174=; no amino-acid change (threonine 1174 retained).
Molecular consequence: synonymous variant.
Genome position (GRCh38, 1-based): chrX:154,360,273, G>A on the plus strand (C>T on the coding strand, the complement: FLNA is on the minus strand). VCF-style: chrX-154360273-G-A. GRCh37 (hg19) VCF-style: chrX-153588641-G-A.
Other names: c.3522C>T, p.Thr1174= (NM_001456.4); c.3522C>T (NM_001110556.1).
Identifiers: ClinVar variation 435199 (VCV000435199.25), dbSNP rs373625856, ClinGen allele CA10560696.

ClinVar aggregate classification (germline): Benign/Likely benign. Review status: criteria provided, multiple submitters, no conflicts (2 of 4 stars). 7 submissions from 7 submitters: Benign (1); Likely benign (5). 1 of the submissions does not count toward it. Last evaluated 2026-01-12.

Conditions:
Connective tissue disorder. Also called: Connective tissue disease. Identifiers: MedGen C0009782, MONDO:0003900.
Oto-palato-digital syndrome, type II (OPD2). Also called: Otopalatodigital Syndrome Type 2 (FLNA-OPD2); Otopalatodigital Syndrome, Type II; FACIOPALATOOSSEOUS SYNDROME; OPD II SYNDROME. Identifiers: Orphanet 669, Orphanet 90652, MedGen C1844696, MONDO:0010571, OMIM 304120.
Frontometaphyseal dysplasia (FMD1). Identifiers: Orphanet 1826, MedGen C0265293, MONDO:0015942.
Melnick-Needles syndrome (MNS). Also called: Melnick-Needles Syndrome (FLNA-MNS); MELNICK-NEEDLES OSTEODYSPLASTY; OSTEODYSPLASTY OF MELNICK AND NEEDLES. Identifiers: Orphanet 2484, MedGen C0025237, MONDO:0010650, OMIM 309350.
Heterotopia, periventricular, X-linked dominant (PVNH1). Also called: PERIVENTRICULAR NODULAR HETEROTOPIA 1; X-linked periventricular heterotopia; PERIVENTRICULAR NODULAR HETEROTOPIA 4; HETEROTOPIA, PERIVENTRICULAR, 1. Identifiers: Orphanet 2149, Orphanet 82004, MedGen C1848213, MONDO:0010233, OMIM 300049.
FLNA-related disorder.
Familial thoracic aortic aneurysm and aortic dissection (TAAD). Also called: Thoracic aortic aneurysms and dissections. Identifiers: Orphanet 91387, MedGen C4707243, MONDO:0019625.

Allele frequency attached by ClinVar (database versions not stated): ESP Exome Variant Server 0.00010; ExAC 0.00011; gnomAD exomes 0.00011 and 0.00020; gnomAD 0.00013; TOPMed 0.00013.
gnomAD v4.1: 227 of 1,211,153 alleles (0.019%); highest among the groups gnomAD compares: Non-Finnish European, 0.024%; no homozygotes.

Submissions (7):

Labcorp Genetics (formerly Invitae), Labcorp
Classification: Benign for Oto-palato-digital syndrome, type II; Heterotopia, periventricular, X-linked dominant; Frontometaphyseal dysplasia; Melnick-Needles syndrome. Last evaluated: 2026-01-12. Review status: criteria provided, single submitter. Criteria: Invitae Variant Classification Sherloc (09022015). Collection method: clinical testing. Allele origin: germline.

Blueprint Genetics
Classification: Likely benign. Last evaluated: 2024-10-03. Review status: criteria provided, single submitter. Criteria: ACMG Guidelines, 2015. Collection method: clinical testing. Allele origin: germline.

GeneDx
Classification: Likely benign. Last evaluated: 2021-03-17. Review status: criteria provided, single submitter. Criteria: GeneDx Variant Classification Process June 2021. Collection method: clinical testing. Allele origin: germline. Affected: yes.

Center for Human Genetics, Inc
Classification: Likely benign for Connective tissue disorder. Last evaluated: 2018-06-01. Review status: criteria provided, single submitter. Criteria: ACMG Guidelines, 2015. Collection method: clinical testing. Allele origin: germline. Affected: yes.

Genetic Services Laboratory, University of Chicago
Classification: Likely benign. Last evaluated: 2016-06-30. Review status: criteria provided, single submitter. Criteria: ACMG Guidelines, 2015. Collection method: clinical testing. Allele origin: germline. Affected: no.

Ambry Genetics
Classification: Likely benign for Familial thoracic aortic aneurysm and aortic dissection. Last evaluated: 2016-02-16. Review status: criteria provided, single submitter. Criteria: Ambry Variant Classification Scheme 2023. Collection method: clinical testing. Allele origin: germline.

PreventionGenetics, part of Exact Sciences
Classification: Likely benign for FLNA-related condition. Last evaluated: 2019-04-30. Review status: no assertion criteria provided. Collection method: clinical testing. Allele origin: germline. Not counted in ClinVar's aggregate classification.
Comment: This variant is classified as likely benign based on ACMG/AMP sequence variant interpretation guidelines (Richards et al. 2015 PMID: 25741868, with internal and published modifications).